The following is an entry in ClinVar:

NM_001875.5(CPS1):c.4478A>C (p.Gln1493Pro)

Gene: CPS1 (carbamoyl-phosphate synthase 1; plus strand). Cytogenetic location: 2q34.
Variant type: single nucleotide variant.
Coding change: c.4478A>C on transcript NM_001875.5 (MANE Select); coding-DNA position 4478, A replaced by C.
Protein change: p.Gln1493Pro; replaces glutamine 1493 with proline.
Molecular consequence: missense variant. On other transcripts: non-coding transcript variant (2).
Genome position (GRCh38, 1-based): chr2:210,677,960, A>C. VCF-style: chr2-210677960-A-C. GRCh37 (hg19) VCF-style: chr2-211542684-A-C.
Other names: c.4478A>C, p.Gln1493Pro (NM_001122633.3, NM_001369257.1); c.4511A>C, p.Gln1504Pro (NM_001369256.1); short protein forms Q1493P, Q1504P.
Identifiers: ClinVar variation 1480309 (VCV001480309.6), dbSNP rs2105947164, ClinGen allele CA350441329.
Genomic context (GRCh38, chr2:210,677,960, plus strand): 5'-TTGCTGAAGCTGTGCAGAAATCTCGCAAGGTGGACTCCAAGAGTCTTTTCCACTACAGGC[A>C]GTACAGTGCTGGAAAAGCAGCATAGAGATGCAGACACCCCAGCCCCATTATTAAATCAAC-3'
Protein context (NP_001866.2, residues 1483-1500): VDSKSLFHYR[Gln1493Pro]YSAGKAA

ClinVar aggregate classification (germline): Uncertain significance (1 of 4 stars; one submission).

Conditions:
Congenital hyperammonemia, type I. Also called: Carbamoyl phosphate synthetase I deficiency disease; CPS I DEFICIENCY; Carbamoyl phosphate synthetase 1 deficiency; Hyperammonemia due to carbamoyl phosphate synthetase 1 deficiency; CPS 1 deficiency; Carbamyl phosphate synthetase (CPS) deficiency. Identifiers: Orphanet 147, MedGen C4082171, MONDO:0009376, OMIM 237300.

Submission:

Labcorp Genetics (formerly Invitae), Labcorp
Classification: Uncertain significance for Congenital hyperammonemia, type I. Last evaluated: 2022-03-22. Review status: criteria provided, single submitter. Criteria: Invitae Variant Classification Sherloc (09022015). Collection method: clinical testing. Allele origin: germline.
Comment: In summary, the available evidence is currently insufficient to determine the role of this variant in disease. Therefore, it has been classified as a Variant of Uncertain Significance. Algorithms developed to predict the effect of missense changes on protein structure and function (SIFT, PolyPhen-2, Align-GVGD) all suggest that this variant is likely to be tolerated. This variant has not been reported in the literature in individuals affected with CPS1-related conditions. This variant is not present in population databases (gnomAD no frequency). This sequence change replaces glutamine, which is neutral and polar, with proline, which is neutral and non-polar, at codon 1493 of the CPS1 protein (p.Gln1493Pro).